The following is an entry in ClinVar:

NM_001385875.1(ZFYVE27):c.*248T>C

Genes: ZFYVE27 (zinc finger FYVE-type containing 27; plus strand), LOC130004486 (ATAC-STARR-seq lymphoblastoid silent region 2687; plus strand). Cytogenetic location: 10q24.2.
Variant type: single nucleotide variant.
Coding change: c.*248T>C on transcript NM_001385875.1 (MANE Select); 248 bases downstream of the stop codon, T replaced by C.
Molecular consequence: 3 prime UTR variant. On other transcripts: non-coding transcript variant (17).
Genome position (GRCh38, 1-based): chr10:97,759,548, T>C. VCF-style: chr10-97759548-T-C. GRCh37 (hg19) VCF-style: chr10-99519305-T-C.
Other names: c.*248T>C (NM_001002261.4, NM_001002262.4, NM_001174119.2 and 39 more transcripts).
Identifiers: ClinVar variation 301846 (VCV000301846.9), dbSNP rs3814559, ClinGen allele CA10637060.
Genomic context (GRCh38, chr10:97,759,548, plus strand): 5'-GGCAATGGCTGCTCTCAATCCCTTGAGGGAGAAGAGCCCCTGGAGGGCCTGGCATGTTTG[T>C]CCTGCTCTGCCTGGGACTGAGCGAGTGGACTTAGGGCTGGGCAGGCAGTAGCCACCAGAG-3'

ClinVar aggregate classification (germline): Benign. Review status: criteria provided, multiple submitters, no conflicts (2 of 4 stars). 4 submissions from 4 submitters: Benign (4). Last evaluated 2021-12-05.

Conditions:
Hereditary spastic paraplegia 33. Also called: SPASTIC PARAPLEGIA 33, AUTOSOMAL DOMINANT. Identifiers: MedGen C1853251, MONDO:0012448, OMIM 610244.

Allele frequency attached by ClinVar (database versions not stated): 1000 Genomes Project 0.74201; 1000 Genomes Project 30x 0.74719; gnomAD exomes 0.75708; TOPMed 0.78599; gnomAD 0.79611 and 0.80267.
gnomAD v4.1: 447,358 of 582,996 alleles (77%); highest among the groups gnomAD compares: African/African-American, 88%; 173,933 homozygotes.

Submissions (4):

Genome-Nilou Lab
Classification: Benign for Hereditary spastic paraplegia 33. Last evaluated: 2021-12-05. Review status: criteria provided, single submitter. Criteria: ACMG Guidelines, 2015. Collection method: clinical testing. Allele origin: germline. Affected: no.

GeneDx
Classification: Benign. Last evaluated: 2021-06-19. Review status: criteria provided, single submitter. Criteria: GeneDx Variant Classification Process June 2021. Collection method: clinical testing. Allele origin: germline. Affected: yes.

Illumina Laboratory Services, Illumina
Classification: Benign for Hereditary spastic paraplegia 33. Last evaluated: 2018-01-13. Review status: criteria provided, single submitter. Criteria: ICSL Variant Classification Criteria 13 December 2019. Collection method: clinical testing. Allele origin: germline.
Comment: This variant was observed in the ICSL laboratory as part of a predisposition screen in an ostensibly healthy population. It had not been previously curated by ICSL or reported in the Human Gene Mutation Database (HGMD: prior to June 1st, 2018), and was therefore a candidate for classification through an automated scoring system. Utilizing variant allele frequency, disease prevalence and penetrance estimates, and inheritance mode, an automated score was calculated to assess if this variant is too frequent to cause the disease. Based on the score and internal cut-off values, a variant classified as benign is not then subjected to further curation. The score for this variant resulted in a classification of benign for this disease.

Breakthrough Genomics
Classification: Benign. Review status: criteria provided, single submitter. Criteria: ACMG Guidelines, 2015. Collection method: not provided. Allele origin: germline. Inheritance: Autosomal dominant inheritance. Affected: yes.